The following is an entry in ClinVar:

ClinVar aggregate classification (germline): Uncertain significance (1 of 4 stars; one submission).

Submission:

Dasa
Classification: Uncertain significance. Last evaluated: 2025-04-22. Review status: criteria provided, single submitter. Criteria: DASA Assertion Criteria. Collection method: clinical testing. Allele origin: germline.
Comment: NM_001367526.1(CAMK2G):c.1329C>A (p.Cys443*) is a nonsense variant in CAMK2G predicted to introduce a premature termination codon. This variant is rare in population databases. The currently available literature and clinical evidence are not sufficient to establish a definitive association between this variant and the reported condition. Therefore, this variant is classified as a variant of uncertain significance.

NM_001367534.1(CAMK2G):c.1366C>A (p.Arg456=)

Gene: CAMK2G (calcium/calmodulin dependent protein kinase II gamma; minus strand). Cytogenetic location: 10q22.2.
Variant type: single nucleotide variant.
Coding change: c.1366C>A on transcript NM_001367534.1 (MANE Select); coding-DNA position 1366, C replaced by A.
Protein change: p.Arg456=; no amino-acid change (arginine 456 retained).
Molecular consequence: synonymous variant. On other transcripts: nonsense (2), non-coding transcript variant (8).
Genome position (GRCh38, 1-based): chr10:73,817,552, G>T on the plus strand (C>A on the coding strand, the complement: CAMK2G is on the minus strand). VCF-style: chr10-73817552-G-T. GRCh37 (hg19) VCF-style: chr10-75577310-G-T.
Other names: c.1219C>A, p.Arg407= (NM_001204492.2, NM_001367521.1); c.1087C>A, p.Arg363= (NM_001222.4, NM_001367541.1); c.1297C>A, p.Arg433= (NM_001320898.2, NM_001367546.1, NM_001367547.1); c.1246C>A, p.Arg416= (NM_001367514.1, NM_001367525.1); c.1156C>A, p.Arg386= (NM_001367516.1, NM_001367517.1, NM_001367529.1 and 1 more transcripts); c.1234C>A, p.Arg412= (NM_001367518.1, NM_001367522.1); c.1120C>A, p.Arg374= (NM_001367519.1, NM_001367530.1); c.1228C>A, p.Arg410= (NM_001367520.1, NM_001367533.1); and 19 more; short protein forms C414*, C443*.
Identifiers: ClinVar variation 4882553 (VCV004882553.2).